The following is an entry in ClinVar:

ClinVar aggregate classification (germline): Benign. Review status: criteria provided, multiple submitters, no conflicts (2 of 4 stars). 3 submissions from 3 submitters: Benign (3). Last evaluated 2024-07-31.

Allele frequency attached by ClinVar (database versions not stated): ESP Exome Variant Server 0.53136; 1000 Genomes Project 30x 0.55184; 1000 Genomes Project 0.55571; TOPMed 0.57531; gnomAD 0.57999 and 0.58257; gnomAD exomes 0.58816.
gnomAD v4.1: 904,653 of 1,539,480 alleles (59%); highest among the groups gnomAD compares: East Asian, 66%; 266,922 homozygotes.

Submissions (3):

Unidad de Genómica Garrahan, Hospital de Pediatría Garrahan
Classification: Benign. Last evaluated: 2024-07-31. Review status: criteria provided, single submitter. Criteria: ACMG Guidelines, 2015. Collection method: clinical testing. Allele origin: germline. Affected: no. Observed: 77 variant alleles.
Comment: This variant is classified as Benign based on local population frequency. This variant was detected in 83% of patients studied in a panel designed for Epileptic and Developmental Encephalopathy, Progressive Myoclonus Epilepsy and Abnormal Movements and Neurodegeneration with brain iron accumulation. Number of patients: 77. Only high quality variants are reported.

GeneDx
Classification: Benign. Last evaluated: 2018-06-14. Review status: criteria provided, single submitter. Criteria: GeneDx Variant Classification (06012015). Collection method: clinical testing. Allele origin: germline. Affected: yes.
Comment: This variant is considered likely benign or benign based on one or more of the following criteria: it is a conservative change, it occurs at a poorly conserved position in the protein, it is predicted to be benign by multiple in silico algorithms, and/or has population frequency not consistent with disease.

Breakthrough Genomics
Classification: Benign. Review status: criteria provided, single submitter. Criteria: ACMG Guidelines, 2015. Collection method: not provided. Allele origin: germline. Inheritance: Autosomal recessive inheritance. Affected: yes.

NM_004369.4(COL6A3):c.6753+52G>T

Gene: COL6A3 (collagen type VI alpha 3 chain; minus strand). Cytogenetic location: 2q37.3.
Variant type: single nucleotide variant.
Coding change: c.6753+52G>T on transcript NM_004369.4 (MANE Select); 52 bases into the intron after coding-DNA position 6753, G replaced by T.
Molecular consequence: intron variant.
Genome position (GRCh38, 1-based): chr2:237,352,470, C>A on the plus strand (G>T on the coding strand, the complement: COL6A3 is on the minus strand). VCF-style: chr2-237352470-C-A. GRCh37 (hg19) VCF-style: chr2-238261113-C-A.
Other names: c.4932+52G>T (NM_057166.5); c.6135+52G>T (NM_057167.4).
Identifiers: ClinVar variation 679234 (VCV000679234.4), dbSNP rs4663727, ClinGen allele CA11142079.